The following is an entry in ClinVar:

NM_021800.3(DNAJC12):c.221G>T (p.Arg74Leu)

Gene: DNAJC12 (DnaJ heat shock protein family (Hsp40) member C12; minus strand). Cytogenetic location: 10q21.3.
Variant type: single nucleotide variant.
Coding change: c.221G>T on transcript NM_021800.3 (MANE Select); coding-DNA position 221, G replaced by T.
Protein change: p.Arg74Leu; replaces arginine 74 with leucine.
Molecular consequence: missense variant.
Genome position (GRCh38, 1-based): chr10:67,811,600, C>A on the plus strand (G>T on the coding strand, the complement: DNAJC12 is on the minus strand). VCF-style: chr10-67811600-C-A. GRCh37 (hg19) VCF-style: chr10-69571358-C-A.
Other names: c.221G>T, p.Arg74Leu (NM_201262.2); short protein forms R74L.
Identifiers: ClinVar variation 1356850 (VCV001356850.8), dbSNP rs769789184, ClinGen allele CA5520875.

ClinVar aggregate classification (germline): Uncertain significance (1 of 4 stars; one submission).

gnomAD v4.1: 3 of 1,614,066 alleles (0.00019%); highest among the groups gnomAD compares: African/African-American, 0.0013%; no homozygotes.

Submission:

Labcorp Genetics (formerly Invitae), Labcorp
Classification: Uncertain significance. Last evaluated: 2021-04-18. Review status: criteria provided, single submitter. Criteria: Invitae Variant Classification Sherloc (09022015). Collection method: clinical testing. Allele origin: germline.
Comment: This variant has not been reported in the literature in individuals with DNAJC12-related conditions. This variant is present in population databases (rs769789184, ExAC 0.01%). This sequence change replaces arginine with leucine at codon 74 of the DNAJC12 protein (p.Arg74Leu). The arginine residue is moderately conserved and there is a moderate physicochemical difference between arginine and leucine. In summary, the available evidence is currently insufficient to determine the role of this variant in disease. Therefore, it has been classified as a Variant of Uncertain Significance. Algorithms developed to predict the effect of missense changes on protein structure and function (SIFT, PolyPhen-2, Align-GVGD) all suggest that this variant is likely to be tolerated, but these predictions have not been confirmed by published functional studies and their clinical significance is uncertain.